The following is an entry in ClinVar:

ClinVar aggregate classification (germline): Likely pathogenic (1 of 4 stars; one submission).

gnomAD v4.1: 1 of 1,573,512 alleles (0.000064%); highest among the groups gnomAD compares: Non-Finnish European, 0.000087%; no homozygotes.

Submission:

Labcorp Genetics (formerly Invitae), Labcorp
Classification: Likely pathogenic. Last evaluated: 2023-04-25. Review status: criteria provided, single submitter. Criteria: Invitae Variant Classification Sherloc (09022015). Collection method: clinical testing. Allele origin: germline.
Comment: This sequence change affects a donor splice site in intron 10 of the DCHS1 gene. It is expected to disrupt RNA splicing. Variants that disrupt the donor or acceptor splice site typically lead to a loss of protein function (PMID: 16199547), and loss-of-function variants in DCHS1 are known to be pathogenic (PMID: 24056717, 26258302). This variant is not present in population databases (gnomAD no frequency). This variant has not been reported in the literature in individuals affected with DCHS1-related conditions. Algorithms developed to predict the effect of sequence changes on RNA splicing suggest that this variant may disrupt the consensus splice site. In summary, the currently available evidence indicates that the variant is pathogenic, but additional data are needed to prove that conclusively. Therefore, this variant has been classified as Likely Pathogenic.

Literature cited by the submitters: PubMed 16199547; PubMed 24056717; PubMed 26258302.

NM_003737.4(DCHS1):c.4795+1G>C

Gene: DCHS1 (dachsous cadherin-related 1; minus strand). Cytogenetic location: 11p15.4.
Variant type: single nucleotide variant.
Coding change: c.4795+1G>C on transcript NM_003737.4 (MANE Select); the canonical splice donor site of the intron after coding-DNA position 4795, G replaced by C.
Molecular consequence: splice donor variant.
Genome position (GRCh38, 1-based): chr11:6,629,998, C>G on the plus strand (G>C on the coding strand, the complement: DCHS1 is on the minus strand). VCF-style: chr11-6629998-C-G. GRCh37 (hg19) VCF-style: chr11-6651229-C-G.
Identifiers: ClinVar variation 2859077 (VCV002859077.3), dbSNP rs2493823249, ClinGen allele CA379399506.